The following is an entry in ClinVar:

ClinVar aggregate classification (germline): Uncertain significance. Review status: criteria provided, multiple submitters, no conflicts (2 of 4 stars). 3 submissions from 3 submitters: Uncertain significance (3). Last evaluated 2025-08-27.

Conditions:
Epidermolysis bullosa simplex 5B, with muscular dystrophy (EBS5B). Also called: EPIDERMOLYSIS BULLOSA SIMPLEX AND LIMB-GIRDLE MUSCULAR DYSTROPHY; Epidermolysis bullosa simplex with muscular dystrophy. Identifiers: Orphanet 257, MedGen C2931072, MONDO:0009181, OMIM 226670.
Epidermolysis bullosa simplex with nail dystrophy (EBS5D). Identifiers: MedGen C4225309, MONDO:0014661, OMIM 616487.
Epidermolysis bullosa simplex 5C, with pyloric atresia (EBS5C). Also called: PLEC-Related Epidermolysis Bullosa with Pyloric Atresia; Epidermolysis bullosa simplex with pyloric atresia; PLEC1-Related Epidermolysis Bullosa with Pyloric Atresia. Identifiers: Orphanet 158684, MedGen C2677349, MONDO:0012807, OMIM 612138.
Autosomal recessive limb-girdle muscular dystrophy type 2Q (LGMDR17). Also called: MUSCULAR DYSTROPHY, LIMB-GIRDLE, AUTOSOMAL RECESSIVE 17. Identifiers: Orphanet 254361, MedGen C3150989, MONDO:0013390, OMIM 613723.
Epidermolysis bullosa simplex, Ogna type (EBS5A). Also called: EPIDERMOLYSIS BULLOSA SIMPLEX 5A, OGNA TYPE; Pidermolysis bullosa simplex 5A, Ogna type. Identifiers: Orphanet 79401, MedGen C0432317, MONDO:0007555, OMIM 131950.
Inborn genetic diseases. Identifiers: MedGen C0950123, MeSH D030342.

Allele frequency attached by ClinVar (database versions not stated): gnomAD exomes 0.00002; ExAC 0.00003; gnomAD 0.00005; TOPMed 0.00005.
gnomAD v4.1: 37 of 1,598,690 alleles (0.0023%); highest among the groups gnomAD compares: African/African-American, 0.0094%; no homozygotes.

Submissions (3):

Ambry Genetics
Classification: Uncertain significance for Inborn genetic diseases. Last evaluated: 2025-08-27. Review status: criteria provided, single submitter. Criteria: Ambry Variant Classification Scheme 2023. Collection method: clinical testing. Allele origin: germline.

Labcorp Genetics (formerly Invitae), Labcorp
Classification: Uncertain significance for Autosomal recessive limb-girdle muscular dystrophy type 2Q; Epidermolysis bullosa simplex, Ogna type; Epidermolysis bullosa simplex with nail dystrophy; Epidermolysis bullosa simplex 5C, with pyloric atresia; Epidermolysis bullosa simplex 5B, with muscular dystrophy. Last evaluated: 2023-03-03. Review status: criteria provided, single submitter. Criteria: Invitae Variant Classification Sherloc (09022015). Collection method: clinical testing. Allele origin: germline.
Comment: In summary, the available evidence is currently insufficient to determine the role of this variant in disease. Therefore, it has been classified as a Variant of Uncertain Significance. This sequence change replaces threonine, which is neutral and polar, with methionine, which is neutral and non-polar, at codon 1943 of the PLEC protein (p.Thr1943Met). This variant is present in population databases (rs781801757, gnomAD 0.007%). This variant has not been reported in the literature in individuals affected with PLEC-related conditions. Experimental studies and prediction algorithms are not available or were not evaluated, and the functional significance of this variant is currently unknown.

Revvity Omics, Revvity
Classification: Uncertain significance. Last evaluated: 2019-12-03. Review status: criteria provided, single submitter. Criteria: ACMG Guidelines, 2015. Collection method: clinical testing. Allele origin: germline.

NM_201384.3(PLEC):c.5747C>T (p.Thr1916Met)

Gene: PLEC (plectin; minus strand). Cytogenetic location: 8q24.3.
Variant type: single nucleotide variant.
Coding change: c.5747C>T on transcript NM_201384.3 (MANE Select); coding-DNA position 5747, C replaced by T.
Protein change: p.Thr1916Met; replaces threonine 1916 with methionine.
Molecular consequence: missense variant.
Genome position (GRCh38, 1-based): chr8:143,924,182, G>A on the plus strand (C>T on the coding strand, the complement: PLEC is on the minus strand). VCF-style: chr8-143924182-G-A. GRCh37 (hg19) VCF-style: chr8-144998350-G-A.
Other names: c.5828C>T, p.Thr1943Met (NM_000445.5); c.5705C>T, p.Thr1902Met (NM_201378.4); c.5681C>T, p.Thr1894Met (NM_201379.3); c.6158C>T, p.Thr2053Met (NM_201380.4); c.5651C>T, p.Thr1884Met (NM_201381.3); c.5747C>T, p.Thr1916Met (NM_201382.4); c.5759C>T, p.Thr1920Met (NM_201383.3); short protein forms T1884M, T1894M, T1902M, T1916M, T1920M, T1943M, T2053M.
Identifiers: ClinVar variation 2434931 (VCV002434931.9), dbSNP rs781801757, ClinGen allele CA4926254.